The following is an entry in ClinVar:

NM_002878.4(RAD51D):c.145-12G>A

Genes: RAD51D (RAD51 paralog D; minus strand), RAD51L3-RFFL (RAD51L3-RFFL readthrough; minus strand). Cytogenetic location: 17q12.
Variant type: single nucleotide variant.
Coding change: c.145-12G>A on transcript NM_002878.4 (MANE Select); 12 bases into the intron before coding-DNA position 145, G replaced by A.
Molecular consequence: intron variant.
Genome position (GRCh38, 1-based): chr17:35,118,631, C>T on the plus strand (G>A on the coding strand, the complement: RAD51D is on the minus strand). VCF-style: chr17-35118631-C-T. GRCh37 (hg19) VCF-style: chr17-33445650-C-T.
Other names: c.144+480G>A (NM_133629.3, NM_001142571.2).
Identifiers: ClinVar variation 421321 (VCV000421321.5), dbSNP rs1064795057, ClinGen allele CA16620390.

ClinVar aggregate classification (germline): Conflicting classifications of pathogenicity. Review status: criteria provided, conflicting classifications (1 of 4 stars). 2 submissions from 2 submitters: Uncertain significance (1); Likely benign (1). Last evaluated 2024-04-10.

Conditions:
Breast-ovarian cancer, familial, susceptibility to, 4. Identifiers: Orphanet 145, MedGen C3280345, MONDO:0013669, OMIM 614291.

Submissions (2):

Labcorp Genetics (formerly Invitae), Labcorp
Classification: Likely benign for Breast-ovarian cancer, familial, susceptibility to, 4. Last evaluated: 2024-04-10. Review status: criteria provided, single submitter. Criteria: Invitae Variant Classification Sherloc (09022015). Collection method: clinical testing. Allele origin: germline.

GeneDx
Classification: Uncertain significance. Last evaluated: 2016-05-31. Review status: criteria provided, single submitter. Criteria: GeneDx Variant Classification (06012015). Collection method: clinical testing. Allele origin: germline. Affected: yes.
Comment: This variant is denoted RAD51D c.145-12G>A or IVS2-12G>A and consists of a G>A nucleotide substitution at the -12 position of intron 2 of the RAD51D gene. This variant has not, to our knowledge, been published in the literature as pathogenic or benign. RAD51D c.145-12G>A was not observed in approximately 6,500 individuals of European and African American ancestry in the NHLBI Exome Sequencing Project, suggesting it is not a common benign variant in these populations. The guanine (G) nucleotide that is altered is not conserved. In silico splicing models are uninformative. Based on currently available information, it is unclear whether RAD51D c.145-12G>A is pathogenic or benign. We consider it to be a variant of uncertain significance.